The following is an entry in ClinVar:

NM_020831.6(MRTFA):c.2796C>T (p.Asp932=)

Gene: MRTFA (myocardin related transcription factor A; minus strand). Cytogenetic location: 22q13.1.
Variant type: single nucleotide variant.
Coding change: c.2796C>T on transcript NM_020831.6 (MANE Select); coding-DNA position 2796, C replaced by T.
Protein change: p.Asp932=; no amino-acid change (aspartic acid 932 retained).
Molecular consequence: synonymous variant. On other transcripts: 3 prime UTR variant (1).
Genome position (GRCh38, 1-based): chr22:40,411,690, G>A on the plus strand (C>T on the coding strand, the complement: MRTFA is on the minus strand). VCF-style: chr22-40411690-G-A. GRCh37 (hg19) VCF-style: chr22-40807694-G-A.
Other names: c.2496C>T, p.Asp832= (NM_001282660.2); c.2646C>T, p.Asp882= (NM_001282661.3); c.*109C>T (NM_001282662.3); c.2601C>T, p.Asp867= (NM_001318139.2); c.2496C>T (NM_020831.4).
Identifiers: ClinVar variation 1682923 (VCV001682923.10), dbSNP rs199562166, ClinGen allele CA10249214.

ClinVar aggregate classification (germline): Likely benign. Review status: criteria provided, single submitter (1 of 4 stars). 2 submissions from 2 submitters: Likely benign (1). 1 of the submissions does not count toward it. Last evaluated 2025-05-21.

Conditions:
MRTFA-related disorder. Also called: MRTFA-related condition.

Allele frequency attached by ClinVar (database versions not stated): gnomAD exomes 0.00003 and 0.00005; ExAC 0.00004; ESP Exome Variant Server 0.00008; gnomAD 0.00015 and 0.00018; TOPMed 0.00023.
gnomAD v4.1: 70 of 1,598,382 alleles (0.0044%); highest among the groups gnomAD compares: African/African-American, 0.043%; no homozygotes.

Submissions (2):

Labcorp Genetics (formerly Invitae), Labcorp
Classification: Likely benign. Last evaluated: 2025-05-21. Review status: criteria provided, single submitter. Criteria: Invitae Variant Classification Sherloc (09022015). Collection method: clinical testing. Allele origin: germline.

PreventionGenetics, part of Exact Sciences
Classification: Likely benign for MRTFA-related condition. Last evaluated: 2019-08-09. Review status: no assertion criteria provided. Collection method: clinical testing. Allele origin: germline. Not counted in ClinVar's aggregate classification.
Comment: This variant is classified as likely benign based on ACMG/AMP sequence variant interpretation guidelines (Richards et al. 2015 PMID: 25741868, with internal and published modifications).